The following is an entry in ClinVar:

ClinVar aggregate classification (germline): Uncertain significance. Review status: criteria provided, multiple submitters, no conflicts (2 of 4 stars). 2 submissions from 2 submitters: Uncertain significance (2). Last evaluated 2022-03-22.

Conditions:
Joubert syndrome. Also called: CEREBELLOPARENCHYMAL DISORDER IV; JOUBERT-BOLTSHAUSER SYNDROME; Familial aplasia of the vermis. Identifiers: Orphanet 475, MedGen C5979921, MONDO:0018772.
Joubert syndrome 3 (JBTS3). Also called: AHI1-related Ciliopathy. Identifiers: Orphanet 220493, MedGen C1837713, MONDO:0012078, OMIM 608629.

gnomAD v4.1: 1 of 1,608,866 alleles (0.000062%); highest among the groups gnomAD compares: Non-Finnish European, 0.000085%; no homozygotes.

Submissions (2):

Labcorp Genetics (formerly Invitae), Labcorp
Classification: Uncertain significance for Joubert syndrome. Last evaluated: 2022-03-22. Review status: criteria provided, single submitter. Criteria: Invitae Variant Classification Sherloc (09022015). Collection method: clinical testing. Allele origin: germline.
Comment: This sequence change replaces leucine, which is neutral and non-polar, with serine, which is neutral and polar, at codon 851 of the AHI1 protein (p.Leu851Ser). This variant is not present in population databases (gnomAD no frequency). This variant has not been reported in the literature in individuals affected with AHI1-related conditions. Advanced modeling of protein sequence and biophysical properties (such as structural, functional, and spatial information, amino acid conservation, physicochemical variation, residue mobility, and thermodynamic stability) performed at Invitae indicates that this missense variant is expected to disrupt AHI1 protein function. In summary, the available evidence is currently insufficient to determine the role of this variant in disease. Therefore, it has been classified as a Variant of Uncertain Significance.

Fulgent Genetics
Classification: Uncertain significance for Joubert syndrome 3. Last evaluated: 2021-10-27. Review status: criteria provided, single submitter. Criteria: ACMG Guidelines, 2015. Collection method: clinical testing. Allele origin: unknown.

NM_001134831.2(AHI1):c.2552T>C (p.Leu851Ser)

Gene: AHI1 (Abelson helper integration site 1; minus strand). Cytogenetic location: 6q23.3.
Variant type: single nucleotide variant.
Coding change: c.2552T>C on transcript NM_001134831.2 (MANE Select); coding-DNA position 2552, T replaced by C.
Protein change: p.Leu851Ser; replaces leucine 851 with serine.
Molecular consequence: missense variant.
Genome position (GRCh38, 1-based): chr6:135,428,700, A>G on the plus strand (T>C on the coding strand, the complement: AHI1 is on the minus strand). VCF-style: chr6-135428700-A-G. GRCh37 (hg19) VCF-style: chr6-135749838-A-G.
Other names: c.2552T>C, p.Leu851Ser (NM_001134830.2, NM_001134832.2, NM_001350503.2 and 2 more transcripts); short protein forms L851S.
Identifiers: ClinVar variation 1507578 (VCV001507578.4), dbSNP rs2128009440, ClinGen allele CA365742260.